The following is an entry in ClinVar:

NM_001085411.3(NADK2):c.52G>A (p.Gly18Ser)

Genes: NADK2 (NAD kinase 2, mitochondrial; minus strand), LOC129993801 (ATAC-STARR-seq lymphoblastoid silent region 15972; plus strand). Cytogenetic location: 5p13.2.
Variant type: single nucleotide variant.
Coding change: c.52G>A on transcript NM_001085411.3 (MANE Select); coding-DNA position 52, G replaced by A.
Protein change: p.Gly18Ser; replaces glycine 18 with serine.
Molecular consequence: missense variant. On other transcripts: intron variant (2).
Genome position (GRCh38, 1-based): chr5:36,241,747, C>T on the plus strand (G>A on the coding strand, the complement: NADK2 is on the minus strand). VCF-style: chr5-36241747-C-T. GRCh37 (hg19) VCF-style: chr5-36241849-C-T.
Other names: c.-190+349G>A (NM_153013.5, NM_001287341.2); c.52G>A (NM_001085411.1); short protein forms G18S.
Identifiers: ClinVar variation 859478 (VCV000859478.11), dbSNP rs1393659599, ClinGen allele CA359448097.

ClinVar aggregate classification (germline): Uncertain significance. Review status: criteria provided, multiple submitters, no conflicts (2 of 4 stars). 2 submissions from 2 submitters: Uncertain significance (2). Last evaluated 2025-03-20.

Conditions:
Progressive encephalopathy with leukodystrophy due to DECR deficiency. Identifiers: Orphanet 431361, MedGen C1857252, MONDO:0014464, OMIM 616034.
Inborn genetic diseases. Identifiers: MedGen C0950123, MeSH D030342.

Allele frequency attached by ClinVar (database versions not stated): gnomAD exomes below 0.00001; TOPMed 0.00001; gnomAD 0.00002 and 0.00003.
gnomAD v4.1: 5 of 1,305,186 alleles (0.00038%); highest among the groups gnomAD compares: Admixed American, 0.0032%; no homozygotes.

Submissions (2):

Ambry Genetics
Classification: Uncertain significance for Inborn genetic diseases. Last evaluated: 2025-03-20. Review status: criteria provided, single submitter. Criteria: Ambry Variant Classification Scheme 2023. Collection method: clinical testing. Allele origin: germline.

Labcorp Genetics (formerly Invitae), Labcorp
Classification: Uncertain significance for Progressive encephalopathy with leukodystrophy due to DECR deficiency. Last evaluated: 2025-01-11. Review status: criteria provided, single submitter. Criteria: Invitae Variant Classification Sherloc (09022015). Collection method: clinical testing. Allele origin: germline.
Comment: This sequence change replaces glycine, which is neutral and non-polar, with serine, which is neutral and polar, at codon 18 of the NADK2 protein (p.Gly18Ser). This variant is not present in population databases (gnomAD no frequency). This variant has not been reported in the literature in individuals affected with NADK2-related conditions. ClinVar contains an entry for this variant (Variation ID: 859478). An algorithm developed to predict the effect of missense changes on protein structure and function outputs the following: PolyPhen-2: "Possibly Damaging". The serine amino acid residue is found in multiple mammalian species, which suggests that this missense change does not adversely affect protein function. In summary, the available evidence is currently insufficient to determine the role of this variant in disease. Therefore, it has been classified as a Variant of Uncertain Significance.